The following is an entry in ClinVar:

ClinVar aggregate classification (germline): Conflicting classifications of pathogenicity. Review status: criteria provided, conflicting classifications (1 of 4 stars). 12 submissions from 12 submitters: Uncertain significance (7); Benign (2); Likely benign (3). Last evaluated 2026-08-04.

Conditions:
Hereditary cancer-predisposing syndrome. Also called: Hereditary Cancer Syndrome; Hereditary neoplastic syndrome; Neoplastic Syndromes, Hereditary; Tumor predisposition. Identifiers: Orphanet 140162, MedGen C0027672, MeSH D009386, MONDO:0015356.
Hereditary pheochromocytoma and paraganglioma. Also called: Hereditary Paraganglioma-Pheochromocytoma Syndromes; Hereditary paragangliomas and pheochromocytomas; Hereditary pheochromocytoma-paraganglioma. Identifiers: Orphanet 29072, MedGen C4274332, MONDO:0017366.
Pheochromocytoma/paraganglioma syndrome 2. Also called: GLOMUS TUMORS, FAMILIAL, 2; Paragangliomas 2; SDHAF2-Related Hereditary Paraganglioma-Pheochromocytoma Syndrome (Paragangliomas 2); SDHAF2-Related Hereditary Paraganglioma-Pheochromocytoma Syndrome. Identifiers: Orphanet 29072, MedGen C1866552, MONDO:0011121, OMIM 601650.
SDHAF2-related disorder. Also called: SDHAF2-related condition.

Allele frequency attached by ClinVar (database versions not stated): TOPMed 0.00008; ExAC 0.00013; gnomAD 0.00011 and 0.00010; gnomAD exomes 0.00010; ESP Exome Variant Server 0.00015.

Submissions (12):

Myriad Genetics, Inc.
Classification: Likely benign for Pheochromocytoma/paraganglioma syndrome 2. Last evaluated: 2026-08-04. Review status: criteria provided, single submitter. Criteria: Myriad Autosomal Dominant, Autosomal Recessive and X-Linked Classification Criteria (2023). Collection method: clinical testing. Allele origin: unknown.
Comment: This variant is considered likely benign. This variant has been observed at a population frequency that is significantly greater than expected given the associated disease prevalence and penetrance.

PreventionGenetics, part of Exact Sciences
Classification: Uncertain significance for SDHAF2-related condition. Last evaluated: 2026-06-07. Review status: criteria provided, single submitter. Criteria: ACMG Guidelines, 2015. Collection method: clinical testing. Allele origin: germline.
Comment: The SDHAF2 c.7G>T variant is predicted to result in the amino acid substitution p.Val3Leu. This variant has been reported as uncertain in an individual with no personal history of cancer (Table S2, Rana et al. 2024. PubMed ID: 38473309). This variant is reported in 0.019% of alleles in individuals of European (Non-Finnish) descent in gnomAD, which may be too common to be a primary cause of disease. This variant has interpretations ranging from benign to uncertain significance in ClinVar (Variation ID: 411607). Although we suspect that this variant may be benign, at this time, the clinical significance of this variant is uncertain due to the absence of conclusive functional and genetic evidence.

Labcorp Genetics (formerly Invitae), Labcorp
Classification: Uncertain significance for Hereditary pheochromocytoma and paraganglioma. Last evaluated: 2026-01-28. Review status: criteria provided, single submitter. Criteria: Invitae Variant Classification Sherloc (09022015). Collection method: clinical testing. Allele origin: germline.
Comment: This sequence change replaces valine, which is neutral and non-polar, with leucine, which is neutral and non-polar, at codon 3 of the SDHAF2 protein (p.Val3Leu). This variant is present in population databases (rs149277592, gnomAD 0.02%). This variant has not been reported in the literature in individuals affected with SDHAF2-related conditions. ClinVar contains an entry for this variant (Variation ID: 411607). An algorithm developed to predict the effect of missense changes on protein structure and function outputs the following: PolyPhen-2: "Benign". The leucine amino acid residue is found in multiple mammalian species, which suggests that this missense change does not adversely affect protein function. In summary, the available evidence is currently insufficient to determine the role of this variant in disease. Therefore, it has been classified as a Variant of Uncertain Significance.

Ambry Genetics
Classification: Uncertain significance for Hereditary cancer-predisposing syndrome. Last evaluated: 2025-08-02. Review status: criteria provided, single submitter. Criteria: Ambry Variant Classification Scheme 2023. Collection method: clinical testing. Allele origin: germline.

Laboratorio de I+D, Fundación Centro Médico de Asturias
Classification: Benign for Hereditary cancer-predisposing syndrome. Last evaluated: 2025-07-22. Review status: criteria provided, single submitter. Criteria: ACMG Guidelines, 2015. Collection method: clinical testing. Allele origin: germline.
Comment: BS1+BS2+BP4_Moderate+BP1+BP3

Quest Diagnostics Nichols Institute San Juan Capistrano
Classification: Uncertain significance. Last evaluated: 2025-07-08. Review status: criteria provided, single submitter. Criteria: Quest Diagnostics criteria. Collection method: clinical testing. Allele origin: unknown.
Comment: The SDHAF2 c.7G>T (p.Val3Leu) variant has been observed in a reportedly unaffected individual in the published literature (PMID: 38473309 (2024)). The frequency of this variant in the general population (Genome Aggregation Database) is higher than would generally be expected for pathogenic variants in this gene. Analysis of this variant using bioinformatics tools for the prediction of the effect of amino acid changes on protein structure and function yielded predictions that this variant is benign. Based on the available information, we are unable to determine the clinical significance of this variant.

Fulgent Genetics
Classification: Uncertain significance for Pheochromocytoma/paraganglioma syndrome 2. Last evaluated: 2024-06-18. Review status: criteria provided, single submitter. Criteria: ACMG Guidelines, 2015. Collection method: clinical testing. Allele origin: germline.

St. Jude Molecular Pathology, St. Jude Children's Research Hospital
Classification: Uncertain significance for Pheochromocytoma/paraganglioma syndrome 2. Last evaluated: 2024-04-11. Review status: criteria provided, single submitter. Criteria: St. Jude Assertion Criteria 2020. Collection method: clinical testing. Allele origin: germline.
Comment: The SDHAF2 c.7G>T (p.Val3Leu) missense change has a maximum subpopulation frequency of 0.019% in gnomAD v2.1.1. The in silico tool REVEL predicts a benign effect on protein function, but this prediction has not been confirmed by functional studies. This variant has not been reported in individuals with SDHAF2-associated tumors. In summary, the evidence currently available is insufficient to determine the clinical significance of this variant. It has therefore been classified as of uncertain significance.

GeneDx
Classification: Uncertain significance. Last evaluated: 2023-07-11. Review status: criteria provided, single submitter. Criteria: GeneDx Variant Classification Process June 2021. Collection method: clinical testing. Allele origin: germline. Affected: yes.
Comment: In silico analysis supports that this missense variant does not alter protein structure/function; Has not been previously published as pathogenic or benign to our knowledge

Color Diagnostics, LLC DBA Color Health
Classification: Likely benign for Hereditary pheochromocytoma and paraganglioma. Last evaluated: 2023-05-05. Review status: criteria provided, single submitter. Criteria: ACMG Guidelines, 2015. Collection method: clinical testing. Allele origin: germline.

Sema4
Classification: Likely benign for Hereditary cancer-predisposing syndrome. Last evaluated: 2022-02-27. Review status: criteria provided, single submitter. Criteria: Sema4 Curation Guidelines. Collection method: curation. Allele origin: germline.

Illumina Laboratory Services, Illumina
Classification: Benign for Hereditary Paraganglioma-Pheochromocytoma Syndromes. Last evaluated: 2018-01-12. Review status: criteria provided, single submitter. Criteria: ICSL Variant Classification Criteria 13 December 2019. Collection method: clinical testing. Allele origin: germline.
Comment: This variant was observed in the ICSL laboratory as part of a predisposition screen in an ostensibly healthy population. It had not been previously curated by ICSL or reported in the Human Gene Mutation Database (HGMD: prior to June 1st, 2018), and was therefore a candidate for classification through an automated scoring system. Utilizing variant allele frequency, disease prevalence and penetrance estimates, and inheritance mode, an automated score was calculated to assess if this variant is too frequent to cause the disease. Based on the score and internal cut-off values, a variant classified as benign is not then subjected to further curation. The score for this variant resulted in a classification of benign for this disease.

Literature cited by the submitters: PubMed 38473309 (cited by Quest Diagnostics Nichols Institute San Juan Capistrano).

NM_017841.4(SDHAF2):c.7G>T (p.Val3Leu)

Gene: SDHAF2 (succinate dehydrogenase complex assembly factor 2; plus strand). Cytogenetic location: 11q12.2.
Variant type: single nucleotide variant.
Coding change: c.7G>T on transcript NM_017841.4 (MANE Select); coding-DNA position 7, G replaced by T.
Protein change: p.Val3Leu; replaces valine 3 with leucine.
Molecular consequence: missense variant.
Genome position (GRCh38, 1-based): chr11:61,430,153, G>T. VCF-style: chr11-61430153-G-T. GRCh37 (hg19) VCF-style: chr11-61197625-G-T.
Other names: short protein forms V3L.
Identifiers: ClinVar variation 411607 (VCV000411607.34), dbSNP rs149277592, ClinGen allele CA059579.